The following is an entry in ClinVar:

NC_000005.10:g.112707423A>T

Gene: APC (APC regulator of Wnt signaling pathway; plus strand). Cytogenetic location: 5q22.2.
Variant type: single nucleotide variant.
Genome position: GRCh38 VCF-style: chr5-112707423-A-T. GRCh37 (hg19) VCF-style: chr5-112043120-A-T.
Identifiers: ClinVar variation 1939264 (VCV001939264.6), dbSNP rs2149628636, ClinGen allele CA2580072240.

ClinVar aggregate classification (germline): Uncertain significance (1 of 4 stars; one submission).

Conditions:
Familial adenomatous polyposis 1 (FAP1). Also called: FAMILIAL ADENOMATOUS POLYPOSIS 1, ATTENUATED; POLYPOSIS, ADENOMATOUS INTESTINAL. Identifiers: MedGen C2713442, MONDO:0021056, OMIM 175100. Disease mechanism: loss of function.

Submission:

Labcorp Genetics (formerly Invitae), Labcorp
Classification: Uncertain significance for Familial adenomatous polyposis 1. Last evaluated: 2022-03-09. Review status: criteria provided, single submitter. Criteria: Invitae Variant Classification Sherloc (09022015). Collection method: clinical testing. Allele origin: germline.
Comment: This variant occurs in a non-coding region of the APC gene. It does not change the encoded amino acid sequence of the APC protein. This variant is not present in population databases (gnomAD no frequency). This variant has not been reported in the literature in individuals affected with APC-related conditions. Experimental studies and prediction algorithms are not available or were not evaluated, and the functional significance of this variant is currently unknown. In summary, the available evidence is currently insufficient to determine the role of this variant in disease. Therefore, it has been classified as a Variant of Uncertain Significance.